The following is an entry in ClinVar:

ClinVar aggregate classification (germline): Uncertain significance (1 of 4 stars; one submission).

Allele frequency attached by ClinVar (database versions not stated): TOPMed 0.00001.

Submission:

Labcorp Genetics (formerly Invitae), Labcorp
Classification: Uncertain significance. Last evaluated: 2022-05-16. Review status: criteria provided, single submitter. Criteria: Invitae Variant Classification Sherloc (09022015). Collection method: clinical testing. Allele origin: germline.
Comment: In summary, the available evidence is currently insufficient to determine the role of this variant in disease. Therefore, it has been classified as a Variant of Uncertain Significance. Algorithms developed to predict the effect of missense changes on protein structure and function are either unavailable or do not agree on the potential impact of this missense change (SIFT: "Not Available"; PolyPhen-2: "Benign"; Align-GVGD: "Not Available"). This variant has not been reported in the literature in individuals affected with TIMM50-related conditions. This variant is not present in population databases (gnomAD no frequency). This sequence change replaces valine, which is neutral and non-polar, with leucine, which is neutral and non-polar, at codon 18 of the TIMM50 protein (p.Val18Leu).

NC_000019.10:g.39480596G>C

Gene: TIMM50 (translocase of inner mitochondrial membrane 50; plus strand). Cytogenetic location: 19q13.2.
Variant type: single nucleotide variant.
Genome position: GRCh38 VCF-style: chr19-39480596-G-C. GRCh37 (hg19) VCF-style: chr19-39971236-G-C.
Identifiers: ClinVar variation 1950131 (VCV001950131.4), dbSNP rs2079461220, ClinGen allele CA405784401.